The following is an entry in ClinVar:

NM_003242.6(TGFBR2):c.208A>G (p.Asn70Asp)

Gene: TGFBR2 (transforming growth factor beta receptor 2; plus strand). Cytogenetic location: 3p24.1.
Variant type: single nucleotide variant.
Coding change: c.208A>G on transcript NM_003242.6 (MANE Select); coding-DNA position 208, A replaced by G.
Protein change: p.Asn70Asp; replaces asparagine 70 with aspartic acid.
Molecular consequence: missense variant. On other transcripts: intron variant (2).
Genome position (GRCh38, 1-based): chr3:30,644,860, A>G. VCF-style: chr3-30644860-A-G. GRCh37 (hg19) VCF-style: chr3-30686352-A-G.
Other names: c.283A>G, p.Asn95Asp (NM_001024847.3, NM_001407126.1, NM_001407139.1); c.208A>G, p.Asn70Asp (NM_001407127.1, NM_001407130.1); c.235A>G, p.Asn79Asp (NM_001407128.1); c.103A>G, p.Asn35Asp (NM_001407129.1, NM_001407132.1, NM_001407133.1 and 3 more transcripts); c.169+21587A>G (NM_001407137.1); c.95-26778A>G (NM_001407138.1); short protein forms N35D, N70D, N79D, N95D.
Identifiers: ClinVar variation 3386058 (VCV003386058.1).
Genomic context (GRCh38, chr3:30,644,860, plus strand): 5'-CTGTGTAAATTTTGTGATGTGAGATTTTCCACCTGTGACAACCAGAAATCCTGCATGAGC[A>G]ACTGCAGCATCACCTCCATCTGTGAGAAGCCACAGGAAGTCTGTGTGGCTGTATGGTAAG-3'
Protein context (NP_003233.4, residues 60-80): TCDNQKSCMS[Asn70Asp]CSITSICEKP

ClinVar aggregate classification (germline): Uncertain significance (1 of 4 stars; one submission).

Conditions:
Loeys-Dietz syndrome 2 (LDS2). Also called: TGFBR2-Related Loeys-Dietz Syndrome; AORTIC ANEURYSM, FAMILIAL THORACIC 3; MARFAN SYNDROME, TYPE II; Marfan syndrome, type 2 (formerly); Marfan Syndrome type 2; Marfan like connective tissue disorder. Identifiers: Orphanet 284973, Orphanet 558, MedGen C2674574, MONDO:0012427, OMIM 610168.

Submission:

All of Us Research Program, National Institutes of Health
Classification: Uncertain significance for Loeys-Dietz syndrome 2. Last evaluated: 2024-06-09. Review status: criteria provided, single submitter. Criteria: ACMG Guidelines, 2015. Collection method: clinical testing. Allele origin: germline. Inheritance: Autosomal dominant inheritance. Observed: 1 variant allele, 1 heterozygote.
Comment: This missense variant replaces asparagine with aspartic acid at codon 70 of the TGFBR2 protein. Computational prediction suggests that this variant may not impact protein structure and function (internally defined REVEL score threshold <= 0.5, PMID: 27666373). To our knowledge, functional studies have not been reported for this variant. This variant has not been reported in individuals affected with TGFBR2-related disorders in the literature. This variant has not been identified in the general population by the Genome Aggregation Database (gnomAD). The available evidence is insufficient to determine the role of this variant in disease conclusively. Therefore, this variant is classified as a Variant of Uncertain Significance.

This study involves interpretation of variants in research participants for the purpose of population health screening. Participant phenotype was not available at the time of variant classification. Additional details can be found in publication PMID: 35346344, PMCID: PMC8962531